The following is an entry in ClinVar:

NM_001943.5(DSG2):c.2470C>A (p.Arg824Ser)

Genes: DSG2 (desmoglein 2; plus strand), DSG2-AS1 (DSG2 antisense RNA 1; minus strand). Cytogenetic location: 18q12.1.
Variant type: single nucleotide variant.
Coding change: c.2470C>A on transcript NM_001943.5 (MANE Select); coding-DNA position 2470, C replaced by A.
Protein change: p.Arg824Ser; replaces arginine 824 with serine.
Molecular consequence: missense variant. On other transcripts: non-coding transcript variant (1).
Genome position (GRCh38, 1-based): chr18:31,545,856, C>A. VCF-style: chr18-31545856-C-A. GRCh37 (hg19) VCF-style: chr18-29125819-C-A.
Other names: short protein forms R824S.
Identifiers: ClinVar variation 1791778 (VCV001791778.2), dbSNP rs201845396, ClinGen allele CA402144663.

ClinVar aggregate classification (germline): Uncertain significance (1 of 4 stars; one submission).

Conditions:
Cardiovascular phenotype. Identifiers: MedGen CN230736.

Submission:

Ambry Genetics
Classification: Uncertain significance for Cardiovascular phenotype. Last evaluated: 2020-12-14. Review status: criteria provided, single submitter. Criteria: Ambry Variant Classification Scheme 2023. Collection method: clinical testing. Allele origin: germline.
Comment: The p.R824S variant (also known as c.2470C>A), located in coding exon 15 of the DSG2 gene, results from a C to A substitution at nucleotide position 2470. The arginine at codon 824 is replaced by serine, an amino acid with dissimilar properties. This amino acid position is poorly conserved in available vertebrate species. In addition, this alteration is predicted to be tolerated by in silico analysis. Since supporting evidence is limited at this time, the clinical significance of this alteration remains unclear.